The following is an entry in ClinVar:

ClinVar aggregate classification (germline): Likely benign (1 of 4 stars; one submission).

Allele frequency attached by ClinVar (database versions not stated): ExAC 0.00005; 1000 Genomes Project 30x 0.00016; 1000 Genomes Project 0.00020.
gnomAD v4.1: 88 of 1,609,362 alleles (0.0055%); highest among the groups gnomAD compares: South Asian, 0.016%; no homozygotes.

Submission:

CeGaT Center for Human Genetics Tuebingen
Classification: Likely benign. Last evaluated: 2024-06-01. Review status: criteria provided, single submitter. Criteria: CeGaT Center For Human Genetics Tuebingen Variant Classification Criteria Version 2. Collection method: clinical testing. Allele origin: germline. Affected: yes. Observed: 1 variant allele.
Comment: IQSEC1: BP4, BP7

NM_001134382.3(IQSEC1):c.933G>A (p.Pro311=)

Gene: IQSEC1 (IQ motif and Sec7 domain ArfGEF 1; minus strand). Cytogenetic location: 3p25.2.
Variant type: single nucleotide variant.
Coding change: c.933G>A on transcript NM_001134382.3 (MANE Select); coding-DNA position 933, G replaced by A.
Protein change: p.Pro311=; no amino-acid change (proline 311 retained).
Molecular consequence: synonymous variant.
Genome position (GRCh38, 1-based): chr3:12,936,083, C>T on the plus strand (G>A on the coding strand, the complement: IQSEC1 is on the minus strand). VCF-style: chr3-12936083-C-T. GRCh37 (hg19) VCF-style: chr3-12977583-C-T.
Other names: c.609G>A, p.Pro203= (NM_001330619.3); c.1257G>A, p.Pro419= (NM_001376938.2); c.975G>A, p.Pro325= (NM_014869.8).
Identifiers: ClinVar variation 3250788 (VCV003250788.18), dbSNP rs544776500.